The following is an entry in ClinVar:

NM_012338.4(TSPAN12):c.*40T>C

Gene: TSPAN12 (tetraspanin 12; minus strand). Cytogenetic location: 7q31.31.
Variant type: single nucleotide variant.
Coding change: c.*40T>C on transcript NM_012338.4 (MANE Select); 40 bases downstream of the stop codon, T replaced by C.
Molecular consequence: 3 prime UTR variant.
Genome position (GRCh38, 1-based): chr7:120,788,552, A>G on the plus strand (T>C on the coding strand, the complement: TSPAN12 is on the minus strand). VCF-style: chr7-120788552-A-G. GRCh37 (hg19) VCF-style: chr7-120428606-A-G.
Identifiers: ClinVar variation 358759 (VCV000358759.6), dbSNP rs375824224, ClinGen allele CA4453773.

ClinVar aggregate classification (germline): Likely benign. Review status: criteria provided, multiple submitters, no conflicts (2 of 4 stars). 2 submissions from 2 submitters: Likely benign (2). Last evaluated 2025-07-22.

Conditions:
TSPAN12-related disorder. Also called: TSPAN12-related condition.
Exudative vitreoretinopathy 5 (EVR5). Identifiers: Orphanet 891, MedGen C2750079, MONDO:0013218, OMIM 613310.

Allele frequency attached by ClinVar (database versions not stated): ExAC 0.00006; gnomAD exomes 0.00006 and 0.00035; gnomAD 0.00007; TOPMed 0.00009; ESP Exome Variant Server 0.00023.
gnomAD v4.1: 511 of 1,612,912 alleles (0.032%); highest among the groups gnomAD compares: Non-Finnish European, 0.042%; no homozygotes.

Submissions (2):

PreventionGenetics, part of Exact Sciences
Classification: Likely benign for TSPAN12-related condition. Last evaluated: 2025-07-22. Review status: criteria provided, single submitter. Criteria: ACMG Guidelines, 2015. Collection method: clinical testing. Allele origin: germline.
Comment: This variant is classified as likely benign based on ACMG/AMP sequence variant interpretation guidelines (Richards et al. 2015 PMID: 25741868, with internal and published modifications).

Illumina Laboratory Services, Illumina
Classification: Likely benign for Exudative vitreoretinopathy 5. Last evaluated: 2018-01-13. Review status: criteria provided, single submitter. Criteria: ICSL Variant Classification Criteria 13 December 2019. Collection method: clinical testing. Allele origin: germline.
Comment: This variant was observed in the ICSL laboratory as part of a predisposition screen in an ostensibly healthy population. It had not been previously curated by ICSL or reported in the Human Gene Mutation Database (HGMD: prior to June 1st, 2018), and was therefore a candidate for classification through an automated scoring system. Utilizing variant allele frequency, disease prevalence and penetrance estimates, and inheritance mode, an automated score was calculated to assess if this variant is too frequent to cause the disease. Based on the score and internal cut-off values, a variant classified as likely benign is not then subjected to further curation. The score for this variant resulted in a classification of likely benign for this disease.